The following is an entry in ClinVar:

NM_006208.3(ENPP1):c.323G>A (p.Cys108Tyr)

Gene: ENPP1 (ectonucleotide pyrophosphatase/phosphodiesterase 1; plus strand). Cytogenetic location: 6q23.2.
Variant type: single nucleotide variant.
Coding change: c.323G>A on transcript NM_006208.3 (MANE Select); coding-DNA position 323, G replaced by A.
Protein change: p.Cys108Tyr; replaces cysteine 108 with tyrosine.
Molecular consequence: missense variant.
Genome position (GRCh38, 1-based): chr6:131,849,999, G>A. VCF-style: chr6-131849999-G-A. GRCh37 (hg19) VCF-style: chr6-132171139-G-A.
Other names: short protein forms C108Y.
Identifiers: ClinVar variation 3695563 (VCV003695563.2).

ClinVar aggregate classification (germline): Uncertain significance (1 of 4 stars; one submission).

gnomAD v4.1: 25 of 1,612,966 alleles (0.0015%); highest among the groups gnomAD compares: Non-Finnish European, 0.002%; no homozygotes.

Submission:

Labcorp Genetics (formerly Invitae), Labcorp
Classification: Uncertain significance. Last evaluated: 2024-11-11. Review status: criteria provided, single submitter. Criteria: Invitae Variant Classification Sherloc (09022015). Collection method: clinical testing. Allele origin: germline.
Comment: This sequence change replaces cysteine, which is neutral and slightly polar, with tyrosine, which is neutral and polar, at codon 108 of the ENPP1 protein (p.Cys108Tyr). This variant is present in population databases (rs763922486, gnomAD 0.004%). This variant has not been reported in the literature in individuals affected with ENPP1-related conditions. Invitae Evidence Modeling of protein sequence and biophysical properties (such as structural, functional, and spatial information, amino acid conservation, physicochemical variation, residue mobility, and thermodynamic stability) indicates that this missense variant is expected to disrupt ENPP1 protein function with a positive predictive value of 80%. This variant disrupts the p.Cys108 amino acid residue in ENPP1. Other variant(s) that disrupt this residue have been determined to be pathogenic (PMID: 31826312). This suggests that this residue is clinically significant, and that variants that disrupt this residue are likely to be disease-causing. In summary, the available evidence is currently insufficient to determine the role of this variant in disease. Therefore, it has been classified as a Variant of Uncertain Significance.

Literature cited by the submitters: PubMed 31826312.